The following is an entry in ClinVar:

NM_001377.3(DYNC2H1):c.6101dup (p.Leu2034fs)

Gene: DYNC2H1 (dynein cytoplasmic 2 heavy chain 1; plus strand). Cytogenetic location: 11q22.3.
Variant type: Duplication.
Coding change: c.6101dup on transcript NM_001377.3 (MANE Select); coding-DNA position 6101, one base duplicated (T; older notation c.6101dupT).
Protein change: p.Leu2034fs; shifts the reading frame from leucine 2034.
Molecular consequence: frameshift variant.
Genome position (GRCh38, 1-based): chr11:103,177,782, T duplicated; the last of 4 consecutive T bases (chr11:103,177,779-103,177,782); duplicating any one gives the same sequence. VCF-style (leftmost placement, unchanged base first): chr11-103177778-G-GT. GRCh37 (hg19) VCF-style: chr11-103048507-G-GT.
Other names: c.6101dup, p.Leu2034fs (NM_001080463.2); short protein forms L2034fs.
Identifiers: ClinVar variation 5015496 (VCV005015496.1).
Genomic context (GRCh38, chr11:103,177,778, plus strand): 5'-ATGCCTCGATATCAATTATTAGGCCATATTGACATGGACACAAGAGAATGGTCTGATGGT[G>GT]TTTTGACAAATAGTGCTCGTCAAGTGGTTCGGGAACCTCAAGGTTAGTCTCTATGTATAC-3'

ClinVar aggregate classification (germline): Pathogenic (1 of 4 stars; one submission).

Conditions:
Asphyxiating thoracic dystrophy 3. Also called: SHORT-RIB THORACIC DYSPLASIA 3 WITH OR WITHOUT POLYDACTYLY; POLYDACTYLY WITH NEONATAL CHONDRODYSTROPHY, TYPE I; SHORT-RIB THORACIC DYSPLASIA 3/6 WITH POLYDACTYLY, DIGENIC; Short rib polydactyly syndrome 2B; Saldino-Noonan Syndrome. Identifiers: Orphanet 474, Orphanet 93269, Orphanet 93270, Orphanet 93271, MedGen C0036069, MONDO:0013127, OMIM 613091.

Submission:

Myriad Genetics, Inc.
Classification: Pathogenic for Asphyxiating thoracic dystrophy 3. Last evaluated: 2026-01-27. Review status: criteria provided, single submitter. Criteria: Myriad Autosomal Dominant, Autosomal Recessive and X-Linked Classification Criteria (2023). Collection method: clinical testing. Allele origin: unknown.
Comment: NM_001377.2(DYNC2H1):c.6101dupT(L2034Ffs*4) is expected to be pathogenic in the context of DYNC2H1-related disorders. This variant is predicted to lead to an abnormal or absent protein product due to the creation of a premature termination codon in DYNC2H1, a gene where loss-of-function variants are known to be pathogenic. Please note: this variant was assessed in the context of healthy population screening.